The following is an entry in ClinVar:

ClinVar aggregate classification (germline): Likely benign. Review status: criteria provided, multiple submitters, no conflicts (2 of 4 stars). 2 submissions from 2 submitters: Likely benign (2). Last evaluated 2025-10-13.

Conditions:
CEP164-related disorder. Also called: CEP164-related condition.
Nephronophthisis 15 (NPHP15). Identifiers: Orphanet 3156, MedGen C3541853, MONDO:0013917, OMIM 614845.

Allele frequency attached by ClinVar (database versions not stated): TOPMed 0.00001; gnomAD 0.00002; gnomAD exomes 0.00002.
gnomAD v4.1: 36 of 1,589,888 alleles (0.0023%); highest among the groups gnomAD compares: Non-Finnish European, 0.0029%; no homozygotes.

Submissions (2):

PreventionGenetics, part of Exact Sciences
Classification: Likely benign for CEP164-related condition. Last evaluated: 2025-10-13. Review status: criteria provided, single submitter. Criteria: ACMG Guidelines, 2015. Collection method: clinical testing. Allele origin: germline.
Comment: This variant is classified as likely benign based on ACMG/AMP sequence variant interpretation guidelines (Richards et al. 2015 PMID: 25741868, with internal and published modifications).

Labcorp Genetics (formerly Invitae), Labcorp
Classification: Likely benign for Nephronophthisis 15. Last evaluated: 2022-10-08. Review status: criteria provided, single submitter. Criteria: Invitae Variant Classification Sherloc (09022015). Collection method: clinical testing. Allele origin: germline.

NM_014956.5(CEP164):c.522G>A (p.Glu174=)

Gene: CEP164 (centrosomal protein 164; plus strand). Cytogenetic location: 11q23.3.
Variant type: single nucleotide variant.
Coding change: c.522G>A on transcript NM_014956.5 (MANE Select); coding-DNA position 522, G replaced by A.
Protein change: p.Glu174=; no amino-acid change (glutamic acid 174 retained).
Molecular consequence: synonymous variant.
Genome position (GRCh38, 1-based): chr11:117,361,963, G>A. VCF-style: chr11-117361963-G-A. GRCh37 (hg19) VCF-style: chr11-117232679-G-A.
Other names: c.522G>A (NM_014956.4); c.522G>A, p.Glu174= (NM_001271933.2).
Identifiers: ClinVar variation 1926901 (VCV001926901.6), dbSNP rs1347480335, ClinGen allele CA476896310.